The following is an entry in ClinVar:

NM_147196.3(TMIE):c.211+3G>C

Gene: TMIE (transmembrane inner ear; plus strand). Cytogenetic location: 3p21.31.
Variant type: single nucleotide variant.
Coding change: c.211+3G>C on transcript NM_147196.3 (MANE Select); 3 bases into the intron after coding-DNA position 211, G replaced by C.
Molecular consequence: intron variant.
Genome position (GRCh38, 1-based): chr3:46,705,910, G>C. VCF-style: chr3-46705910-G-C. GRCh37 (hg19) VCF-style: chr3-46747400-G-C.
Other names: c.52+3G>C (NM_001370524.1, NM_001370525.1).
Identifiers: ClinVar variation 47957 (VCV000047957.5), dbSNP rs397517865, ClinGen allele CA261933.
Genomic context (GRCh38, chr3:46,705,910, plus strand): 5'-TGGGACATGCGCCTGTGGCACGTGGTGGGCATCTTTTCGCTCTTCGTGTTGTCCATCAGT[G>C]AGTAGCTGTTCCCTTCCCTCTCCACCACACTGCAGTGGGAACACAGCACCCCCTGCCCCC-3'

ClinVar aggregate classification (germline): Likely pathogenic (1 of 4 stars; one submission).

Conditions:
Rare genetic deafness. Identifiers: Orphanet 96210, MedGen C5680250.

Submission:

Laboratory for Molecular Medicine, Mass General Brigham Personalized Medicine
Classification: Likely pathogenic for Rare genetic deafness. Last evaluated: 2013-01-18. Review status: criteria provided, single submitter. Criteria: LMM Criteria. Collection method: clinical testing. Allele origin: germline. Observed: 2 variant alleles.
Comment: The 211+3G>C variant in TMIE has not been reported in the literature nor previou sly identified by our laboratory. This variant is located in the 5' splice regio n. Computational tools predict an impact to splicing. In summary, based upon the computational predictions and the presence of a second variant in trans in this individual?s son, this variant is likely pathogenic.